The following is an entry in ClinVar:

ClinVar aggregate classification (germline): Uncertain significance. Review status: criteria provided, multiple submitters, no conflicts (2 of 4 stars). 2 submissions from 2 submitters: Uncertain significance (2). Last evaluated 2025-03-28.

Conditions:
Inborn genetic diseases. Identifiers: MedGen C0950123, MeSH D030342.

Allele frequency attached by ClinVar (database versions not stated): gnomAD exomes 0.00001; 1000 Genomes Project 30x 0.00016; ExAC 0.00002; gnomAD 0.00004; ESP Exome Variant Server 0.00023; TOPMed 0.00005; 1000 Genomes Project 0.00020.

Submissions (2):

Ambry Genetics
Classification: Uncertain significance for Inborn genetic diseases. Last evaluated: 2025-03-28. Review status: criteria provided, single submitter. Criteria: Ambry Variant Classification Scheme 2023. Collection method: clinical testing. Allele origin: germline.

Labcorp Genetics (formerly Invitae), Labcorp
Classification: Uncertain significance. Last evaluated: 2022-07-06. Review status: criteria provided, single submitter. Criteria: Invitae Variant Classification Sherloc (09022015). Collection method: clinical testing. Allele origin: germline.
Comment: This sequence change replaces threonine, which is neutral and polar, with isoleucine, which is neutral and non-polar, at codon 121 of the RDH5 protein (p.Thr121Ile). The frequency data for this variant in the population databases is considered unreliable, as metrics indicate poor data quality at this position in the gnomAD database. This variant has not been reported in the literature in individuals affected with RDH5-related conditions. ClinVar contains an entry for this variant (Variation ID: 1420463). Algorithms developed to predict the effect of missense changes on protein structure and function are either unavailable or do not agree on the potential impact of this missense change (SIFT: "Deleterious"; PolyPhen-2: "Benign"; Align-GVGD: "Class C0"). In summary, the available evidence is currently insufficient to determine the role of this variant in disease. Therefore, it has been classified as a Variant of Uncertain Significance.

NM_002905.5(RDH5):c.362C>T (p.Thr121Ile)

Genes: BLOC1S1-RDH5 (BLOC1S1-RDH5 readthrough; plus strand), RDH5 (retinol dehydrogenase 5; plus strand). Cytogenetic location: 12q13.2.
Variant type: single nucleotide variant.
Coding change: c.362C>T on transcript NM_002905.5 (MANE Select); coding-DNA position 362, C replaced by T.
Protein change: p.Thr121Ile; replaces threonine 121 with isoleucine.
Molecular consequence: missense variant. On other transcripts: non-coding transcript variant (1).
Genome position (GRCh38, 1-based): chr12:55,721,740, C>T. VCF-style: chr12-55721740-C-T. GRCh37 (hg19) VCF-style: chr12-56115524-C-T.
Other names: c.362C>T, p.Thr121Ile (NM_001199771.3); c.362C>T (NM_002905.3); short protein forms T121I.
Identifiers: ClinVar variation 1420463 (VCV001420463.4), dbSNP rs144972315, ClinGen allele CA6616821.
Genomic context (GRCh38, chr12:55,721,740, plus strand): 5'-TCCCCACAGGGCTTTTTGGTCTGGTGAATAATGCTGGTGTGGCTGGTATCATCGGACCCA[C>T]ACCATGGCTGACCCGGGACGATTTCCAGCGGGTGCTGAATGTGAACACAATGGGTCCCAT-3'
Protein context (NP_002896.2, residues 111-131): NAGVAGIIGP[Thr121Ile]PWLTRDDFQR